The following is an entry in ClinVar:

NM_007118.4(TRIO):c.381C>T (p.Ile127=)

Gene: TRIO (trio Rho guanine nucleotide exchange factor; plus strand). Cytogenetic location: 5p15.2.
Variant type: single nucleotide variant.
Coding change: c.381C>T on transcript NM_007118.4 (MANE Select); coding-DNA position 381, C replaced by T.
Protein change: p.Ile127=; no amino-acid change (isoleucine 127 retained).
Molecular consequence: synonymous variant. On other transcripts: non-coding transcript variant (1).
Genome position (GRCh38, 1-based): chr5:14,286,904, C>T. VCF-style: chr5-14286904-C-T. GRCh37 (hg19) VCF-style: chr5-14287013-C-T.
Identifiers: ClinVar variation 2655303 (VCV002655303.24), dbSNP rs370673675, ClinGen allele CA3205417.
Genomic context (GRCh38, chr5:14,286,904, plus strand): 5'-CTTCAGCCATGTTTTCTTTCTCTGCAGCGAGGAGGTCTGCAAGCGTGGCTTCACGGTGAT[C>T]GTGGACATGCGTGGGTCCAAGTGGGACTCCATCAAGCCCCTTCTGAAGATCCTGCAGGAG-3'
Protein context (NP_009049.2, residues 117-137): EEVCKRGFTV[Ile127=]VDMRGSKWDS

ClinVar aggregate classification (germline): Likely benign (1 of 4 stars; one submission).

Allele frequency attached by ClinVar (database versions not stated): gnomAD exomes 0.00001; TOPMed 0.00002; ExAC 0.00003; gnomAD 0.00006; ESP Exome Variant Server 0.00008.
gnomAD v4.1: 28 of 1,613,716 alleles (0.0017%); highest among the groups gnomAD compares: African/African-American, 0.011%; no homozygotes.

Submission:

CeGaT Center for Human Genetics Tuebingen
Classification: Likely benign. Last evaluated: 2023-02-01. Review status: criteria provided, single submitter. Criteria: CeGaT Center For Human Genetics Tuebingen Variant Classification Criteria Version 2. Collection method: clinical testing. Allele origin: germline. Affected: yes. Observed: 1 variant allele.
Comment: TRIO: BP4, BP7